The following continues an entry in ClinVar:

NM_000059.4(BRCA2):c.3847_3848del (p.Val1283fs)

Gene: BRCA2. ClinVar aggregate classification (germline): Pathogenic. Pathogenic (1).

Submissions 38 to 54 of 65:

Institute of Medical Genetics and Applied Genomics, University Hospital Tübingen
Classification: Pathogenic. Last evaluated: 2020-10-23. Review status: criteria provided, single submitter. Criteria: ACMG Guidelines, 2015. Collection method: clinical testing. Allele origin: germline. Inheritance: Unknown mechanism. Affected: yes. Not counted in ClinVar's aggregate classification.

Biesecker Lab/Clinical Genomics Section, National Institutes of Health
Classification: Pathogenic for Breast-ovarian cancer, familial, susceptibility to, 2. Last evaluated: 2019-04-12. Review status: criteria provided, single submitter. Criteria: ACMG Guidelines, 2015. Collection method: curation. Allele origin: germline. Study: CSER_ClinSeq. Not counted in ClinVar's aggregate classification.

HudsonAlpha Institute for Biotechnology
Classification: Pathogenic for Breast-ovarian cancer, familial, susceptibility to, 2. Last evaluated: 2019-02-21. Review status: criteria provided, single submitter. Criteria: ACMG Guidelines, 2015. Collection method: research. Allele origin: unknown. Observed: 1 variant allele. Study: AGHI_GT. Not counted in ClinVar's aggregate classification.

Eurofins Ntd Llc (ga)
Classification: Pathogenic. Last evaluated: 2017-05-30. Review status: criteria provided, single submitter. Criteria: EGL Classification Definitions 2015. Collection method: clinical testing. Allele origin: germline. Observed: 1 variant allele, 1 heterozygote. Not counted in ClinVar's aggregate classification.

Human Genome Sequencing Center Clinical Lab, Baylor College of Medicine
Classification: Pathogenic for Breast-ovarian cancer, familial, susceptibility to, 2. Last evaluated: 2017-04-04. Review status: criteria provided, single submitter. Criteria: ACMG Guidelines, 2015. Collection method: clinical testing. Allele origin: germline. Not counted in ClinVar's aggregate classification.
Comment: The c.3847_3848del (p.Val1283Lysfs*2) variant has been detected in several patients and families with breast and/or ovarian cancer [PMID 8589730, 22752604, 24504028, 22006311, 21324516, sometimes reported as 4075delGT], colorectal cancer [PMID 24814045] and prostate cancer [PMID 21952622]. This variant has been reported in 11 heterozygous individuals from the ExAC population database. This 2 bp deletion is located in exon 11, and leads to the creation of a frameshift and a premature stop codon at amino acid position. This variant is expected to result in a loss of function of the protein and is thus classified as pathogenic. This pathogenic variant in the BRCA2 gene is also considered medically actionable [ACMG59, PMID 27854360]

Department of Medical Genetics, Oslo University Hospital
Classification: Pathogenic for Breast-ovarian cancer, familial, susceptibility to, 2. Last evaluated: 2016-09-23. Review status: criteria provided, single submitter. Criteria: ACMG Guidelines, 2015. Collection method: clinical testing. Allele origin: germline. Affected: yes. Observed: 82 variant alleles. Not counted in ClinVar's aggregate classification.

Molecular Genetics Laboratory, University of Michigan
Classification: Pathogenic for Breast-ovarian cancer, familial, susceptibility to, 2. Last evaluated: 2016-04-21. Review status: criteria provided, single submitter. Criteria: ACMG Guidelines, 2015. Collection method: clinical testing. Allele origin: germline. Affected: yes. Not counted in ClinVar's aggregate classification.

Consortium of Investigators of Modifiers of BRCA1/2 (CIMBA), c/o University of Cambridge
Classification: Pathogenic for Breast-ovarian cancer, familial, susceptibility to, 2. Last evaluated: 2015-10-02. Review status: criteria provided, single submitter. Criteria: CIMBA Mutation Classification guidelines May 2016. Collection method: clinical testing. Allele origin: germline. Not counted in ClinVar's aggregate classification.

Women's Health and Genetics/Laboratory Corporation of America, LabCorp
Classification: Pathogenic for Hereditary breast ovarian cancer syndrome. Last evaluated: 2015-06-22. Review status: criteria provided, single submitter. Criteria: LabCorp Variant Classification Summary - May 2015. Collection method: clinical testing. Allele origin: germline. Not counted in ClinVar's aggregate classification.
Comment: Variant summary: This frameshift variant leads to premature truncation at exon 11. In ExAC, it has been observed at allele frequency of 11/94102 chromosomes. This frequency is lower than the maximal expected allele frequency for a pathogenic BRCA2 variant based on the disease prevalence of HBOC. It has been recurrently observed in patients with HBOC. This supports that the 11 individuals with this variant in ExAC are very likely to represent as subclinical cases and/or reduced penetrance. Multiple labs (via ClinVar) classify the variant as pathogenic. Therefore, based on the variant's nature and location, and population and patient data, this has been classified as Pathogenic.

Genome Diagnostics Laboratory, University Medical Center Utrecht
Classification: Pathogenic for Breast-ovarian cancer, familial, susceptibility to, 2. Last evaluated: 2014-10-10. Review status: criteria provided, single submitter. Criteria: ACGS Guidelines, 2013. Collection method: clinical testing. Allele origin: germline. Affected: yes. Study: VKGL Data-share Consensus. Not counted in ClinVar's aggregate classification.

GeneDx
Classification: Pathogenic for Familial cancer of breast. Last evaluated: 2014-09-16. Review status: criteria provided, single submitter. Criteria: GeneDx Variant Classification (06012015). Collection method: clinical testing. Allele origin: germline. Affected: yes. Not counted in ClinVar's aggregate classification.
Comment: This variant is denoted BRCA2 c.3847_3848delGT at the cDNA level and p.Val1283LysfsX2 (V1283KfsX2) at the protein level. The normal sequence, with the bases that are deleted in brackets, is AACT{delGT}AAGT. The deletion causes a frameshift, which changes a Valine to a Lysine at codon 1283 in exon 11, and creates a premature stop codon at position 2 of the new reading frame. This mutation is predicted to cause loss of normal protein function through either protein truncation or nonsense-mediated mRNA decay. BRCA2 c.3847_3848delGT, previously reported as 4075delGT, has been reported in association with breast and ovarian cancer (Tavtigian 1996). BRCA2 c.3847_3848delGT is also a common mutation in Norwegian and Danish populations (Janavicius 2010). We therefore consider this mutation to be pathogenic. and is indicative of Hereditary Breast and Ovarian Cancer (HBOC) syndrome, an autosomal dominant condition that predisposes to breast and ovarian cancer as well as other cancers. The predominant BRCA2-related cancer risks for women who have not been diagnosed with cancer have been estimated as 41% - 84% lifetime risk for breast cancer and 11% - 27% lifetime risk for ovarian cancer (Ford 1998, Risch 2006). BRCA2 mutations have also been reported in women with fallopian tube carcinoma, primary peritoneal carcinoma, and uterine serous carcinoma (Levine 2003, Biron-Shental 2006). Women with BRCA1/2 mutations also have an increased risk for contralateral breast cancer. Women with BRCA mutations whose first cancer was diagnosed under age 40 have a 21-31% risk to develop a second breast cancer within 10 years and a 63% risk to develop a second breast cancer within 25 years. Women with BRCA mutations whose first cancer was diagnosed between ages 40 and 50 have an 11-13% risk to develop a second breast cancer within 10 years and a 44-49% risk within 25 years. Women with BRCA mutations whose first cancer was diagnosed after age 50 have an 8% risk to develop a second breast cancer within 10 years and a 20% risk within 25 years (Graeser 2009). Other cancer risks associated with a BRCA2 mutation include up to a 7% risk for pancreatic cancer (Ozcelik 1997, The Breast Cancer Linkage Consortium 1999), up to a 34% risk for prostate cancer in male carriers (Thompson 2001), and up to a 7% risk for male breast cancer (Liede 2004). The variant is found in BRCA,HIRISK-BR-HEREDIC,BR-OV-HEREDIC panel(s).

Clinical Genetics and Genomics, Karolinska University Hospital
Classification: Pathogenic. Last evaluated: 2014-05-21. Review status: criteria provided, single submitter. Criteria: ACMG Guidelines, 2015. Collection method: clinical testing. Allele origin: germline. Affected: yes. Observed: 17 variant alleles. Not counted in ClinVar's aggregate classification.

Juno Genomics, Hangzhou Juno Genomics, Inc
Classification: Pathogenic for Wilms tumor 1; Medulloblastoma; Familial cancer of breast; Breast-ovarian cancer, familial, susceptibility to, 2; Glioma susceptibility 3; Pancreatic cancer, susceptibility to, 2; Familial prostate cancer; Fanconi anemia complementation group D1. Review status: criteria provided, single submitter. Criteria: ACMG Guidelines, 2015. Collection method: clinical testing. Allele origin: germline. Not counted in ClinVar's aggregate classification.
Comment: Null variant in a gene where loss of function (LOF) is a known mechanism of disease.;Novel missense change at an amino acid residue where a different missense change determined to be pathogenic has been seen before.

Neuberg Centre For Genomic Medicine, NCGM
Classification: Pathogenic for Breast-ovarian cancer, familial, susceptibility to, 2. Review status: criteria provided, single submitter. Criteria: ACMG Guidelines, 2015. Collection method: clinical testing. Allele origin: germline. Inheritance: Autosomal dominant inheritance. Affected: no. Not counted in ClinVar's aggregate classification.
Comment: The c.3847_3848del (p.Val1283LysfsTer2) frameshift variant in BRCA2 gene has been reported in several individuals and families affected with breast, ovarian, and prostate cancer (Zhang et al., 2011; Janavičius 2010). It was also shown to segregate with disease in a family with colorectal and other cancers (Garre et al., 2015). This variant is reported with the allele frequency (0.005%) in the gnomAD and novel in 1000 genome database. This variant has been reported to the ClinVar database as Pathogenic. This variant causes a frameshift starting with codon Valine 1283, changes this amino acid to Lysine residue, and creates a premature Stop codon at position 2 of the new reading frame, denoted p.Val1283LysfsTer2. It is expected to result in an absent or disrupted protein product. Loss-of-function variants in BRCA2 are known to be pathogenic (Borg et al., 2010). For these reasons, this variant has been classified as Pathogenic.

BRCAlab, Lund University
Classification: Pathogenic for Breast-ovarian cancer, familial, susceptibility to, 2. Last evaluated: 2022-08-26. Review status: no assertion criteria provided. Collection method: clinical testing. Allele origin: germline. Affected: yes. Not counted in ClinVar's aggregate classification.

Medical Genetics Laboratory, Umraniye Training and Research Hospital, University of Health Sciences
Classification: Pathogenic for Breast carcinoma. Last evaluated: 2021-09-12. Review status: no assertion criteria provided. Collection method: clinical testing. Allele origin: germline. Inheritance: Autosomal dominant inheritance. Affected: yes. Observed: 1 heterozygote. Not counted in ClinVar's aggregate classification.

Laboratory for Genotyping Development, RIKEN
Classification: Pathogenic for Gastric cancer. Last evaluated: 2021-07-01. Review status: no assertion criteria provided. Collection method: research. Allele origin: germline. Not counted in ClinVar's aggregate classification.